The following is an entry in ClinVar:

NM_006929.5(SKIC2):c.1667C>T (p.Ser556Phe)

Gene: SKIC2 (SKI2 subunit of superkiller complex; plus strand). Cytogenetic location: 6p21.33.
Variant type: single nucleotide variant.
Coding change: c.1667C>T on transcript NM_006929.5 (MANE Select); coding-DNA position 1667, C replaced by T.
Protein change: p.Ser556Phe; replaces serine 556 with phenylalanine.
Molecular consequence: missense variant.
Genome position (GRCh38, 1-based): chr6:31,963,932, C>T. VCF-style: chr6-31963932-C-T. GRCh37 (hg19) VCF-style: chr6-31931709-C-T.
Other names: short protein forms S556F.
Identifiers: ClinVar variation 1478921 (VCV001478921.8), dbSNP rs1206899509, ClinGen allele CA363460494.

ClinVar aggregate classification (germline): Uncertain significance (1 of 4 stars; one submission).

Submission:

Labcorp Genetics (formerly Invitae), Labcorp
Classification: Uncertain significance. Last evaluated: 2020-10-27. Review status: criteria provided, single submitter. Criteria: Invitae Variant Classification Sherloc (09022015). Collection method: clinical testing. Allele origin: germline.
Comment: In summary, the available evidence is currently insufficient to determine the role of this variant in disease. Therefore, it has been classified as a Variant of Uncertain Significance. Algorithms developed to predict the effect of missense changes on protein structure and function are either unavailable or do not agree on the potential impact of this missense change (SIFT: "Deleterious"; PolyPhen-2: "Possibly Damaging"; Align-GVGD: "Class C0"). This variant has not been reported in the literature in individuals with SKIV2L-related conditions. This variant is not present in population databases (ExAC no frequency). This sequence change replaces serine with phenylalanine at codon 556 of the SKIV2L protein (p.Ser556Phe). The serine residue is weakly conserved and there is a large physicochemical difference between serine and phenylalanine.